The following is an entry in ClinVar:

ClinVar aggregate classification (germline): Uncertain significance (1 of 4 stars; one submission).

Conditions:
HTR2C-related disorder. Also called: HTR2C-related condition.

gnomAD v4.1: 1 of 1,131,752 alleles (0.000088%); highest among the groups gnomAD compares: Non-Finnish European, 0.00012%; no homozygotes.

Submission:

PreventionGenetics, part of Exact Sciences
Classification: Uncertain significance for HTR2C-related condition. Last evaluated: 2026-08-05. Review status: criteria provided, single submitter. Criteria: ACMG Guidelines, 2015. Collection method: clinical testing. Allele origin: germline.
Comment: The HTR2C c.4G>A variant is predicted to result in the amino acid substitution p.Val2Met. To our knowledge, this variant has not been reported in the literature or in a large population database, indicating this variant is rare. At this time, the clinical significance of this variant is uncertain due to the absence of conclusive functional and genetic evidence.

NM_000868.4(HTR2C):c.4G>A (p.Val2Met)

Gene: HTR2C (5-hydroxytryptamine receptor 2C; plus strand). Cytogenetic location: Xq23.
Variant type: single nucleotide variant.
Coding change: c.4G>A on transcript NM_000868.4 (MANE Select); coding-DNA position 4, G replaced by A.
Protein change: p.Val2Met; replaces valine 2 with methionine.
Molecular consequence: missense variant.
Genome position (GRCh38, 1-based): chrX:114,726,940, G>A. VCF-style: chrX-114726940-G-A. GRCh37 (hg19) VCF-style: chrX-113961349-G-A.
Other names: c.4G>A, p.Val2Met (NM_001256760.3, NM_001256761.3); short protein forms V2M.
Identifiers: ClinVar variation 3355279 (VCV003355279.2).